The following is an entry in ClinVar:

NM_001903.5(CTNNA1):c.2226C>T (p.Val742=)

Gene: CTNNA1 (catenin alpha 1; plus strand). Cytogenetic location: 5q31.2.
Variant type: single nucleotide variant.
Coding change: c.2226C>T on transcript NM_001903.5 (MANE Select); coding-DNA position 2226, C replaced by T.
Protein change: p.Val742=; no amino-acid change (valine 742 retained).
Molecular consequence: synonymous variant.
Genome position (GRCh38, 1-based): chr5:138,930,863, C>T. VCF-style: chr5-138930863-C-T. GRCh37 (hg19) VCF-style: chr5-138266552-C-T.
Other names: c.2226C>T, p.Val742= (NM_001323983.1, NM_001323984.2, NM_001323985.2 and 2 more transcripts); c.1917C>T, p.Val639= (NM_001290309.3); c.1857C>T, p.Val619= (NM_001290310.3); c.1116C>T, p.Val372= (NM_001290312.1, NM_001323987.1, NM_001323988.1 and 17 more transcripts); c.2133C>T, p.Val711= (NM_001323986.2); c.777C>T, p.Val259= (NM_001324006.1, NM_001324007.1, NM_001324008.1 and 2 more transcripts); c.1023C>T, p.Val341= (NM_001324011.1); c.873C>T, p.Val291= (NM_001324012.1, NM_001324013.1).
Identifiers: ClinVar variation 1111733 (VCV001111733.12), dbSNP rs11552052, ClinGen allele CA446598091.

ClinVar aggregate classification (germline): Benign/Likely benign. Review status: criteria provided, multiple submitters, no conflicts (2 of 4 stars). 3 submissions from 3 submitters: Benign (1); Likely benign (2). Last evaluated 2024-10-15.

Conditions:
Hereditary cancer-predisposing syndrome. Also called: Hereditary neoplastic syndrome; Tumor predisposition; Neoplastic Syndromes, Hereditary; Hereditary Cancer Syndrome. Identifiers: Orphanet 140162, MedGen C0027672, MeSH D009386, MONDO:0015356.
Hereditary diffuse gastric adenocarcinoma (HDGC). Also called: DIFFUSE GASTRIC AND LOBULAR BREAST CANCER SYNDROME. Identifiers: Orphanet 26106, MedGen C1708349, MONDO:0007648, OMIM 137215.

Submissions (3):

Myriad Genetics, Inc.
Classification: Benign for Hereditary diffuse gastric adenocarcinoma. Last evaluated: 2024-10-15. Review status: criteria provided, single submitter. Criteria: Myriad Autosomal Dominant, Autosomal Recessive and X-Linked Classification Criteria (2023). Collection method: clinical testing. Allele origin: unknown.
Comment: This variant is considered benign. This variant is a silent/synonymous amino acid change and it is not expected to impact splicing.

Labcorp Genetics (formerly Invitae), Labcorp
Classification: Likely benign. Last evaluated: 2020-06-25. Review status: criteria provided, single submitter. Criteria: Invitae Variant Classification Sherloc (09022015). Collection method: clinical testing. Allele origin: germline.

Ambry Genetics
Classification: Likely benign for Hereditary cancer-predisposing syndrome. Last evaluated: 2019-07-23. Review status: criteria provided, single submitter. Criteria: Ambry Variant Classification Scheme 2023. Collection method: clinical testing. Allele origin: germline.